The following is an entry in ClinVar:

ClinVar aggregate classification (germline): Pathogenic (1 of 4 stars; one submission).

Conditions:
Esophageal squamous cell carcinoma. Identifiers: Orphanet 99977, MedGen C0279626, MeSH D000077277, MONDO:0005580.

Submission:

Dubai Health Genomic Medicine Center, Dubai Health
Classification: Pathogenic for Esophageal squamous cell carcinoma. Last evaluated: 2024-10-04. Review status: criteria provided, single submitter. Criteria: ACMG Guidelines, 2015. Collection method: research. Allele origin: germline. Affected: yes.
Comment: PVS1 (strong)

NM_016373.3:c.410-17474_516+10296del

Gene: WWOX (WW domain containing oxidoreductase; plus strand).
Variant type: Deletion.
Identifiers: ClinVar variation 3384012 (VCV003384012.1).